The following is an entry in ClinVar:

NM_001987.5(ETV6):c.628C>T (p.Arg210Cys)

Gene: ETV6 (ETS variant transcription factor 6; plus strand). Cytogenetic location: 12p13.2.
Variant type: single nucleotide variant.
Coding change: c.628C>T on transcript NM_001987.5 (MANE Select); coding-DNA position 628, C replaced by T.
Protein change: p.Arg210Cys; replaces arginine 210 with cysteine.
Molecular consequence: missense variant.
Genome position (GRCh38, 1-based): chr12:11,869,588, C>T. VCF-style: chr12-11869588-C-T. GRCh37 (hg19) VCF-style: chr12-12022522-C-T.
Other names: c.625C>T, p.Arg209Cys (NM_001413913.1); c.601C>T, p.Arg201Cys (NM_001413914.1); c.364C>T, p.Arg122Cys (NM_001413915.1); c.628C>T, p.Arg210Cys (NM_001413916.1, NM_001413917.1); short protein forms R122C, R201C, R209C, R210C.
Identifiers: ClinVar variation 2430388 (VCV002430388.5), dbSNP rs762232508, ClinGen allele CA6454306.
Genomic context (GRCh38, chr12:11,869,588, plus strand): 5'-CACCGGCCTTCTCCTGACCCCGAGCAGCGGCCCCTCCGGTCCCCCCTGGACAACATGATC[C>T]GCCGCCTCTCCCCGGCTGAGAGAGCTCAGGGACCCAGGCCGCACCAGGAGAACAACCACC-3'
Protein context (NP_001978.1, residues 200-220): PLRSPLDNMI[Arg210Cys]RLSPAERAQG

ClinVar aggregate classification (germline): Uncertain significance. Review status: criteria provided, multiple submitters, no conflicts (2 of 4 stars). 3 submissions from 3 submitters: Uncertain significance (3). Last evaluated 2025-01-07.

Conditions:
Inborn genetic diseases. Identifiers: MedGen C0950123, MeSH D030342.

Allele frequency attached by ClinVar (database versions not stated): TOPMed below 0.00001; gnomAD exomes 0.00003; ExAC 0.00006; gnomAD 0.00008.
gnomAD v4.1: 50 of 1,614,078 alleles (0.0031%); highest among the groups gnomAD compares: Non-Finnish European, 0.0019%; no homozygotes.

Submissions (3):

Ambry Genetics
Classification: Uncertain significance for Inborn genetic diseases. Last evaluated: 2025-01-07. Review status: criteria provided, single submitter. Criteria: Ambry Variant Classification Scheme 2023. Collection method: clinical testing. Allele origin: germline.
Comment: The p.R210C variant (also known as c.628C>T), located in coding exon 5 of the ETV6 gene, results from a C to T substitution at nucleotide position 628. The arginine at codon 210 is replaced by cysteine, an amino acid with highly dissimilar properties. This amino acid position is well conserved in available vertebrate species. In addition, this alteration is predicted to be tolerated by in silico analysis. Based on the available evidence, the clinical significance of this variant remains unclear.

Labcorp Genetics (formerly Invitae), Labcorp
Classification: Uncertain significance. Last evaluated: 2024-04-04. Review status: criteria provided, single submitter. Criteria: Invitae Variant Classification Sherloc (09022015). Collection method: clinical testing. Allele origin: germline.
Comment: This sequence change replaces arginine, which is basic and polar, with cysteine, which is neutral and slightly polar, at codon 210 of the ETV6 protein (p.Arg210Cys). This variant is present in population databases (rs762232508, gnomAD 0.05%), and has an allele count higher than expected for a pathogenic variant. This variant has not been reported in the literature in individuals affected with ETV6-related conditions. ClinVar contains an entry for this variant (Variation ID: 2430388). Advanced modeling of protein sequence and biophysical properties (such as structural, functional, and spatial information, amino acid conservation, physicochemical variation, residue mobility, and thermodynamic stability) performed at Invitae indicates that this missense variant is not expected to disrupt ETV6 protein function with a negative predictive value of 80%. In summary, the available evidence is currently insufficient to determine the role of this variant in disease. Therefore, it has been classified as a Variant of Uncertain Significance.

GeneDx
Classification: Uncertain significance. Last evaluated: 2022-08-16. Review status: criteria provided, single submitter. Criteria: GeneDx Variant Classification Process June 2021. Collection method: clinical testing. Allele origin: germline. Affected: yes.
Comment: In silico analysis supports that this missense variant does not alter protein structure/function; Has not been previously published as pathogenic or benign to our knowledge; This variant is associated with the following publications: (PMID: 28555414, 28637624)